The following is an entry in ClinVar:

NM_004304.5(ALK):c.4583A>G (p.His1528Arg)

Gene: ALK (ALK receptor tyrosine kinase; minus strand). Cytogenetic location: 2p23.2.
Variant type: single nucleotide variant.
Coding change: c.4583A>G on transcript NM_004304.5 (MANE Select); coding-DNA position 4583, A replaced by G.
Protein change: p.His1528Arg; replaces histidine 1528 with arginine.
Molecular consequence: missense variant.
Genome position (GRCh38, 1-based): chr2:29,193,504, T>C on the plus strand (A>G on the coding strand, the complement: ALK is on the minus strand). VCF-style: chr2-29193504-T-C. GRCh37 (hg19) VCF-style: chr2-29416370-T-C.
Other names: c.1379A>G, p.His460Arg (NM_001353765.2); short protein forms H1528R, H460R.
Identifiers: ClinVar variation 2752642 (VCV002752642.3), dbSNP rs2465873413, ClinGen allele CA346460683.

ClinVar aggregate classification (germline): Uncertain significance (1 of 4 stars; one submission).

Conditions:
Neuroblastoma, susceptibility to, 3. Also called: ALK-Related Neuroblastic Tumor Susceptibility. Identifiers: Orphanet 635, MedGen C2751681, MONDO:0013083, OMIM 613014.

Allele frequency attached by ClinVar (database versions not stated): gnomAD exomes below 0.00001.
gnomAD v4.1: 1 of 1,614,184 alleles (0.000062%); highest among the groups gnomAD compares: African/African-American, 0.0013%; no homozygotes.

Submission:

Labcorp Genetics (formerly Invitae), Labcorp
Classification: Uncertain significance for Neuroblastoma, susceptibility to, 3. Last evaluated: 2024-04-08. Review status: criteria provided, single submitter. Criteria: Invitae Variant Classification Sherloc (09022015). Collection method: clinical testing. Allele origin: germline.
Comment: This sequence change replaces histidine, which is basic and polar, with arginine, which is basic and polar, at codon 1528 of the ALK protein (p.His1528Arg). This variant is not present in population databases (gnomAD no frequency). This variant has not been reported in the literature in individuals affected with ALK-related conditions. Algorithms developed to predict the effect of missense changes on protein structure and function output the following: SIFT: "Not Available"; PolyPhen-2: "Benign"; Align-GVGD: "Not Available". The arginine amino acid residue is found in multiple mammalian species, which suggests that this missense change does not adversely affect protein function. In summary, the available evidence is currently insufficient to determine the role of this variant in disease. Therefore, it has been classified as a Variant of Uncertain Significance.